The following is an entry in ClinVar:

ClinVar aggregate classification (germline): Conflicting classifications of pathogenicity. Review status: criteria provided, conflicting classifications (1 of 4 stars). 16 submissions from 15 submitters: Uncertain significance (10); Benign (1); Likely benign (4). 1 of the submissions does not count toward it. Last evaluated 2026-09-01.

Conditions:
FKTN-related disorder. Also called: FKTN-related disorders; FKTN-related condition.
Myopathy caused by variation in FKTN. Identifiers: MedGen CN305638, MONDO:0700067.
Walker-Warburg congenital muscular dystrophy. Also called: Muscular dystrophy-dystroglycanopathy, type A; Walker-Warburg syndrome. Identifiers: Orphanet 899, MedGen C0265221, MONDO:0000171.
Cardiovascular phenotype. Identifiers: MedGen CN230736.
Muscular dystrophy-dystroglycanopathy (congenital with brain and eye anomalies), type A, 4 (MDDGA4). Also called: Fukuyama congenital muscular dystrophy; Walker-Warburg Syndrome, Fktn-Related; Muscular dystrophy, congenital progressive, with mental retardation; Muscular dystrophy, congenital, with central nervous system involvement; Cerebromuscular dystrophy, Fukuyama type; WALKER-WARBURG SYNDROME OR MUSCLE-EYE-BRAIN DISEASE, FKTN-RELATED. Identifiers: Orphanet 272, Orphanet 588, Orphanet 899, MedGen C0410174, MONDO:0009678, OMIM 253800.
Dilated cardiomyopathy 1X (CMD1X). Also called: FKTN-Related Dilated Cardiomyopathy; CARDIOMYOPATHY, DILATED, WITH MILD OR NO PROXIMAL MUSCLE WEAKNESS. Identifiers: Orphanet 154, MedGen C1969024, MONDO:0012704, OMIM 611615.

Allele frequency attached by ClinVar (database versions not stated): ESP Exome Variant Server 0.00054; gnomAD exomes 0.00076 and 0.00080; gnomAD 0.00125 and 0.00119; ExAC 0.00132; TOPMed 0.00055.
gnomAD v4.1: 1,305 of 1,553,096 alleles (0.084%); highest among the groups gnomAD compares: Non-Finnish European, 0.09%; 4 homozygotes.

Submissions (21):

CeGaT Center for Human Genetics Tuebingen
Classification: Likely benign. Last evaluated: 2026-09-01. Review status: criteria provided, single submitter. Criteria: CeGaT Center For Human Genetics Tuebingen Variant Classification Criteria Version 2. Collection method: clinical testing. Allele origin: germline. Affected: yes. Observed: 5 variant alleles.
Comment: FKTN: PP3, BS2

Labcorp Genetics (formerly Invitae), Labcorp
Classification: Benign for Walker-Warburg congenital muscular dystrophy. Last evaluated: 2026-01-27. Review status: criteria provided, single submitter. Criteria: Invitae Variant Classification Sherloc (09022015). Collection method: clinical testing. Allele origin: germline.

Molecular Diagnostic Laboratory for Inherited Cardiovascular Disease, Montreal Heart Institute
Classification: Uncertain significance for Cardiovascular phenotype. Last evaluated: 2025-04-09. Review status: criteria provided, single submitter. Criteria: ACMG Guidelines, 2015. Collection method: clinical testing. Allele origin: germline. Affected: yes.
Comment: PVS1_supp

Laboratory of Genetics, Children's Clinical University Hospital Latvia
Classification: Likely benign. Last evaluated: 2025-02-16. Review status: criteria provided, single submitter. Criteria: ACMG Guidelines, 2015. Collection method: clinical testing. Allele origin: germline. Affected: yes.

ARUP Laboratories, Molecular Genetics and Genomics, ARUP Laboratories
Classification: Uncertain significance. Last evaluated: 2025-01-26. Review status: criteria provided, single submitter. Criteria: ARUP Molecular Germline Variant Investigation Process 2024. Collection method: clinical testing. Allele origin: germline.
Comment: The FKTN c.166-4A>G variant (rs193922689, ClinVar Variation ID 36139) is reported in the literature in at least one individual affected with left ventricular non-compaction, co-occurring with an MYH6 variant (Miszalski-Jamka 2017). This variant is found in the Finnish European population with an allele frequency of 0.288% (71/24664 alleles, including 1 homozygote) in the Genome Aggregation Database (v2.1.1). This is an intronic variant and computational analyses (Alamut Visual Plus v.1.5.1) predict that this variant may impact splicing by creating a novel cryptic acceptor splice site and weakening the nearby canonical acceptor splice site. However, given the lack of clinical and functional data, the significance of this variant is uncertain at this time. References: Miszalski-Jamka K et al. Novel Genetic Triggers and Genotype-Phenotype Correlations in Patients With Left Ventricular Noncompaction. Circ Cardiovasc Genet. 2017 Aug;10(4):e001763. PMID: 28798025.

Blueprint Genetics
Classification: Likely benign. Last evaluated: 2024-11-27. Review status: criteria provided, single submitter. Criteria: ACMG Guidelines, 2015. Collection method: clinical testing. Allele origin: germline.

Mayo Clinic Laboratories, Mayo Clinic
Classification: Uncertain significance. Last evaluated: 2023-08-08. Review status: criteria provided, single submitter. Criteria: ACMG Guidelines, 2015. Collection method: clinical testing. Allele origin: germline. Observed: 4 variant alleles.
Comment: PP3

Ambry Genetics
Classification: Uncertain significance for Cardiovascular phenotype. Last evaluated: 2022-06-02. Review status: criteria provided, single submitter. Criteria: Ambry Variant Classification Scheme 2023. Collection method: clinical testing. Allele origin: germline.
Comment: The c.166-4A>G intronic alteration consists of a A to G substitution 4 nucleotides before coding exon 3 in the FKTN gene. Based on insufficient or conflicting evidence, the clinical significance of this alteration remains unclear.

Women's Health and Genetics/Laboratory Corporation of America, LabCorp
Classification: Uncertain significance. Last evaluated: 2022-02-28. Review status: criteria provided, single submitter. Criteria: LabCorp Variant Classification Summary - May 2015. Collection method: clinical testing. Allele origin: germline.
Comment: Variant summary: FKTN c.166-4A>G alters a nucleotide located close to a canonical splice site and therefore could affect mRNA splicing, leading to a significantly altered protein sequence. Several computational tools predict a significant impact on normal splicing: Two predict the variant abolishes a 3 prime acceptor site; one predict the variant weakens a 3 prime acceptor site; three predict the variant creates a 3 prime acceptor site. However, these predictions have yet to be confirmed by functional studies. The variant allele was found at a frequency of 0.00076 in 243196 control chromosomes. This frequency is not significantly higher than expected for a pathogenic variant in FKTN causing Cardiomyopathy (0.00076 vs 0.005), allowing no conclusion about variant significance. c.166-4A>G has been reported in the literature in individuals affected with Cardiomyopathy. This report does not provide unequivocal conclusions about association of the variant with Cardiomyopathy. To our knowledge, no experimental evidence demonstrating an impact on protein function has been reported. Seven clinical diagnostic laboratories have submitted clinical-significance assessments for this variant to ClinVar after 2014 without evidence for independent evaluation. Multiple laboratories reported the variant with conflicting assessments (Benign/likely benign n=2, VUS n=5). Based on the evidence outlined above, the variant was classified as uncertain significance.

GeneDx
Classification: Likely benign. Last evaluated: 2021-02-20. Review status: criteria provided, single submitter. Criteria: GeneDx Variant Classification Process June 2021. Collection method: clinical testing. Allele origin: germline. Affected: yes.
Comment: This variant is associated with the following publications: (PMID: 28798025)

Victorian Clinical Genetics Services, Murdoch Childrens Research Institute
Classification: Uncertain significance for Myopathy caused by variation in FKTN. Last evaluated: 2020-10-19. Review status: criteria provided, single submitter. Criteria: ACMG Guidelines, 2015. Collection method: clinical testing. Allele origin: germline. Inheritance: Autosomal recessive inheritance.
Comment: Based on the classification scheme VCGS_Germline_v1.3.3, this variant is classified as 3C-VUS. Following criteria are met: 0102 - Loss of function is a known mechanism of disease in this gene and is associated with muscular dystrophy-dystroglycanopathy type A (MIM#253800), type B (MIM#613152), type C (MIM#611588), and dilated cardiomyopathy (MIM#611615) (OMIM). (I) 0106 - This gene is associated with autosomal recessive disease. (I) 0212 - Non-canonical splice site variant without proven consequence on splicing (no functional evidence available). (SP) 0251 - This variant is heterozygous. (I) 0304 - Variant is present in gnomAD (v2) <0.01 for a recessive condition (260 heterozygotes, 2 homozygotes). (SP) 0508 - In silico predictions for abnormal splicing are conflicting. (I) 0705 - No comparable non-canonical splice variants have previous evidence for pathogenicity. (I) 0808 - Previous reports of pathogenicity for this variant are conflicting. The variant has one benign and five VUS entries in ClinVar. (I) 0905 - No published segregation evidence has been identified for this variant. (I) 1007 - No published functional evidence has been identified for this variant. (I) 1208 - Inheritance information for this variant is not currently available in this individual. (I) Legend: (SP) - Supporting pathogenic, (I) - Information, (SB) - Supporting benign

Illumina Laboratory Services, Illumina
Classification: Uncertain significance for Dilated cardiomyopathy 1X. Last evaluated: 2018-01-13. Review status: criteria provided, single submitter. Criteria: ICSL Variant Classification Criteria 13 December 2019. Collection method: clinical testing. Allele origin: germline.

Illumina Laboratory Services, Illumina
Classification: Uncertain significance for Muscular dystrophy-dystroglycanopathy (congenital with brain and eye anomalies), type A, 4. Last evaluated: 2018-01-13. Review status: criteria provided, single submitter. Criteria: ICSL Variant Classification Criteria 13 December 2019. Collection method: clinical testing. Allele origin: germline.

Eurofins Ntd Llc (ga)
Classification: Uncertain significance. Last evaluated: 2017-11-17. Review status: criteria provided, single submitter. Criteria: EGL Classification Definitions 2015. Collection method: clinical testing. Allele origin: germline. Observed: 13 variant alleles, 13 heterozygotes.

Athena Diagnostics
Classification: Uncertain significance. Last evaluated: 2017-09-22. Review status: criteria provided, single submitter. Criteria: Athena Diagnostics Criteria. Collection method: clinical testing. Allele origin: germline.

PreventionGenetics, part of Exact Sciences
Classification: Likely benign for FKTN-related condition. Last evaluated: 2023-11-30. Review status: no assertion criteria provided. Collection method: clinical testing. Allele origin: germline. Not counted in ClinVar's aggregate classification.
Comment: This variant is classified as likely benign based on ACMG/AMP sequence variant interpretation guidelines (Richards et al. 2015 PMID: 25741868, with internal and published modifications).

Dr. Peter K. Rogan Lab, Western University
No classification provided (evidence only). Condition: Clear cell carcinoma of kidney. Review status: no classification provided. Collection method: in vitro. Allele origin: not applicable. Functional consequence: retained intron. Not counted in ClinVar's aggregate classification.

Dr. Peter K. Rogan Lab, Western University
No classification provided (evidence only). Condition: Familial cancer of breast. Review status: no classification provided. Collection method: in vitro. Allele origin: not applicable. Functional consequence: retained intron. Not counted in ClinVar's aggregate classification.

Dr. Peter K. Rogan Lab, Western University
No classification provided (evidence only). Condition: Colon adenocarcinoma. Review status: no classification provided. Collection method: in vitro. Allele origin: not applicable. Functional consequence: retained intron. Not counted in ClinVar's aggregate classification.

Dr. Peter K. Rogan Lab, Western University
No classification provided (evidence only). Condition: Colon adenocarcinoma. Review status: no classification provided. Collection method: in vitro. Allele origin: not applicable. Functional consequence: retained intron. Not counted in ClinVar's aggregate classification.

Dr. Peter K. Rogan Lab, Western University
No classification provided (evidence only). Condition: Lymphoma. Review status: no classification provided. Collection method: in vitro. Allele origin: not applicable. Functional consequence: retained intron. Not counted in ClinVar's aggregate classification.

Literature cited by the submitters: PubMed 28798025 (cited by Mayo Clinic Laboratories, Mayo Clinic and Women's Health and Genetics/Laboratory Corporation of America, LabCorp).

NM_001079802.2(FKTN):c.166-4A>G

Gene: FKTN (fukutin; plus strand). Cytogenetic location: 9q31.2.
Variant type: single nucleotide variant.
Coding change: c.166-4A>G on transcript NM_001079802.2 (MANE Select); 4 bases into the intron before coding-DNA position 166, A replaced by G.
Molecular consequence: intron variant.
Genome position (GRCh38, 1-based): chr9:105,601,141, A>G. VCF-style: chr9-105601141-A-G. GRCh37 (hg19) VCF-style: chr9-108363422-A-G.
Other names: c.166-4A>G (NM_006731.2, NM_001351496.2, NM_001198963.2 and 1 more transcripts); c.-349-4A>G (NM_001351502.2, NM_001351499.2, NM_001351500.2 and 1 more transcripts); c.97-4A>G (NM_001351497.2).
Identifiers: ClinVar variation 36139 (VCV000036139.72), dbSNP rs193922689, ClinGen allele CA295355.